The following is an entry in ClinVar:

NM_006231.4(POLE):c.728G>A (p.Trp243Ter)

Gene: POLE (DNA polymerase epsilon, catalytic subunit; minus strand). Cytogenetic location: 12q24.33.
Variant type: single nucleotide variant.
Coding change: c.728G>A on transcript NM_006231.4 (MANE Select); coding-DNA position 728, G replaced by A.
Protein change: p.Trp243Ter; replaces tryptophan 243 with a stop codon.
Molecular consequence: nonsense.
Genome position (GRCh38, 1-based): chr12:132,677,436, C>T on the plus strand (G>A on the coding strand, the complement: POLE is on the minus strand). VCF-style: chr12-132677436-C-T. GRCh37 (hg19) VCF-style: chr12-133254022-C-T.
Other names: short protein forms W243*.
Identifiers: ClinVar variation 4525939 (VCV004525939.1).

ClinVar aggregate classification (germline): Pathogenic (1 of 4 stars; one submission).

Conditions:
Facial dysmorphism-immunodeficiency-livedo-short stature syndrome. Also called: Facial dysmorphism, immunodeficiency, livedo, and short stature; FILS syndrome. Identifiers: Orphanet 352712, MedGen C3554576, MONDO:0014058, OMIM 615139.

gnomAD v4.1: 1 of 1,613,846 alleles (0.000062%); highest among the groups gnomAD compares: Admixed American, 0.0017%; no homozygotes.

Submission:

Women's Health and Genetics/Laboratory Corporation of America, LabCorp
Classification: Pathogenic for Facial dysmorphism-immunodeficiency-livedo-short stature syndrome. Last evaluated: 2025-07-14. Review status: criteria provided, single submitter. Criteria: LabCorp Variant Classification Summary - May 2015. Collection method: clinical testing. Allele origin: germline.
Comment: Variant summary: POLE c.728G>A (p.Trp243X) results in a premature termination codon, predicted to cause a truncation of the encoded protein or absence of the protein due to nonsense mediated decay, which are commonly known mechanisms for disease. The variant allele was found at a frequency of 4e-06 in 251472 control chromosomes. To our knowledge, no occurrence of c.728G>A in individuals affected with Facial Dysmorphism, Immunodeficiency, Livedo, And Short Stature and no experimental evidence demonstrating its impact on protein function have been reported. No submitters have cited clinical-significance assessments for this variant to ClinVar. Based on the evidence outlined above, the variant was classified as pathogenic.